The following is an entry in ClinVar:

NM_004329.3(BMPR1A):c.1089A>G (p.Leu363=)

Gene: BMPR1A (bone morphogenetic protein receptor type 1A; plus strand). Cytogenetic location: 10q23.2.
Variant type: single nucleotide variant.
Coding change: c.1089A>G on transcript NM_004329.3 (MANE Select); coding-DNA position 1089, A replaced by G.
Protein change: p.Leu363=; no amino-acid change (leucine 363 retained).
Molecular consequence: synonymous variant.
Genome position (GRCh38, 1-based): chr10:86,919,392, A>G. VCF-style: chr10-86919392-A-G. GRCh37 (hg19) VCF-style: chr10-88679149-A-G.
Identifiers: ClinVar variation 215826 (VCV000215826.23), dbSNP rs863224393, ClinGen allele CA338866.
Genomic context (GRCh38, chr10:86,919,392, plus strand): 5'-CCACCTGCACACAGAAATTTATGGCACCCAAGGAAAGCCCGCAATTGCTCATCGAGACCT[A>G]AAGAGCAAAAACATCCTCATCAAGAAAAATGGGAGTTGCTGCATTGCTGACCTGGGCCTT-3'
Protein context (NP_004320.2, residues 353-373): QGKPAIAHRD[Leu363=]KSKNILIKKN

ClinVar aggregate classification (germline): Benign/Likely benign. Review status: criteria provided, multiple submitters, no conflicts (2 of 4 stars). 6 submissions from 6 submitters: Benign (1); Likely benign (5). Last evaluated 2026-01-18.

Conditions:
Juvenile polyposis syndrome (JPS). Identifiers: Orphanet 2929, MedGen C0345893, MONDO:0017380, OMIM 174900.
Hereditary cancer-predisposing syndrome. Also called: Tumor predisposition; Hereditary Cancer Syndrome; Neoplastic Syndromes, Hereditary; Hereditary neoplastic syndrome. Identifiers: Orphanet 140162, MedGen C0027672, MeSH D009386, MONDO:0015356.

Allele frequency attached by ClinVar (database versions not stated): gnomAD 0.00001; gnomAD exomes 0.00001; TOPMed below 0.00001.
gnomAD v4.1: 9 of 1,612,948 alleles (0.00056%); highest among the groups gnomAD compares: Non-Finnish European, 0.00076%; no homozygotes.

Submissions (6):

Labcorp Genetics (formerly Invitae), Labcorp
Classification: Likely benign for Juvenile polyposis syndrome. Last evaluated: 2026-01-18. Review status: criteria provided, single submitter. Criteria: Invitae Variant Classification Sherloc (09022015). Collection method: clinical testing. Allele origin: germline.

Myriad Genetics, Inc.
Classification: Benign for Juvenile polyposis syndrome. Last evaluated: 2024-08-06. Review status: criteria provided, single submitter. Criteria: Myriad Autosomal Dominant, Autosomal Recessive and X-Linked Classification Criteria (2023). Collection method: clinical testing. Allele origin: unknown.
Comment: This variant is considered benign. This variant is a silent/synonymous amino acid change and it is not expected to impact splicing.

All of Us Research Program, National Institutes of Health
Classification: Likely benign for Juvenile polyposis syndrome. Last evaluated: 2023-11-02. Review status: criteria provided, single submitter. Criteria: ACMG Guidelines, 2015. Collection method: clinical testing. Allele origin: germline. Inheritance: Autosomal dominant inheritance. Observed: 4 variant alleles, 4 heterozygotes.
Comment: This study involves interpretation of variants in research participants for the purpose of population health screening. Participant phenotype was not available at the time of variant classification. Additional details can be found in publication PMID: 35346344, PMCID: PMC8962531

GeneDx
Classification: Likely benign. Last evaluated: 2020-11-19. Review status: criteria provided, single submitter. Criteria: GeneDx Variant Classification Process June 2021. Collection method: clinical testing. Allele origin: germline. Affected: yes.

Color Diagnostics, LLC DBA Color Health
Classification: Likely benign for Hereditary cancer-predisposing syndrome. Last evaluated: 2018-02-07. Review status: criteria provided, single submitter. Criteria: ACMG Guidelines, 2015. Collection method: clinical testing. Allele origin: germline.

Ambry Genetics
Classification: Likely benign for Hereditary cancer-predisposing syndrome. Last evaluated: 2017-09-28. Review status: criteria provided, single submitter. Criteria: Ambry Variant Classification Scheme 2023. Collection method: clinical testing. Allele origin: germline.